The following is an entry in ClinVar:

NM_000138.5(FBN1):c.2379dup (p.Lys794fs)

Gene: FBN1 (fibrillin 1; minus strand). Cytogenetic location: 15q21.1.
Variant type: Duplication.
Coding change: c.2379dup on transcript NM_000138.5 (MANE Select); coding-DNA position 2379, one base duplicated (C; older notation c.2379dupC).
Protein change: p.Lys794fs; shifts the reading frame from lysine 794.
Molecular consequence: frameshift variant.
Genome position (GRCh38, 1-based): chr15:48,496,140, G duplicated on the plus strand (C on the coding strand, the reverse complement: FBN1 is on the minus strand); the first of 4 consecutive G bases (chr15:48,496,140-48,496,143); duplicating any one gives the same sequence. VCF-style (leftmost placement, unchanged base first): chr15-48496139-T-TG. GRCh37 (hg19) VCF-style: chr15-48788336-T-TG.
Other names: c.2379dupC (NM_000138.4); short protein forms K794fs.
Identifiers: ClinVar variation 659391 (VCV000659391.6), dbSNP rs1597569589, ClinGen allele CA915946588.
Genomic context (GRCh38, chr15:48,496,139, plus strand): 5'-AAGAACAAAAATATGGTTTACCTTCACATGTTTTTAGATCAGGTTTGTAGATAAATCCCT[T>TG]GGGGCAGGTACAGACAAAACTTCCAGGAGTATTTCTACATTGTCCATTGTCACAAAGGAG-3'

ClinVar aggregate classification (germline): Pathogenic (1 of 4 stars; one submission).

Conditions:
Familial thoracic aortic aneurysm and aortic dissection (TAAD). Also called: Thoracic aortic aneurysms and dissections. Identifiers: Orphanet 91387, MedGen C4707243, MONDO:0019625.
Marfan syndrome (MFS). Also called: FBN1-Related Marfan Syndrome; Marfan syndrome type 1; Marfan's syndrome; Marfan syndrome, classic; MARFAN SYNDROME, TYPE I. Identifiers: Orphanet 284963, Orphanet 558, MedGen C0024796, MONDO:0007947, OMIM 154700.

Submission:

Labcorp Genetics (formerly Invitae), Labcorp
Classification: Pathogenic for Marfan syndrome; Familial thoracic aortic aneurysm and aortic dissection. Last evaluated: 2022-06-04. Review status: criteria provided, single submitter. Criteria: Invitae Variant Classification Sherloc (09022015). Collection method: clinical testing. Allele origin: germline.
Comment: This sequence change creates a premature translational stop signal (p.Lys794Glnfs*8) in the FBN1 gene. It is expected to result in an absent or disrupted protein product. Loss-of-function variants in FBN1 are known to be pathogenic (PMID: 17657824, 19293843). This variant is not present in population databases (gnomAD no frequency). For these reasons, this variant has been classified as Pathogenic. ClinVar contains an entry for this variant (Variation ID: 659391). This variant has not been reported in the literature in individuals affected with FBN1-related conditions.

Literature cited by the submitters: PubMed 17657824; PubMed 19293843.